The following is an entry in ClinVar:

ClinVar aggregate classification (germline): Uncertain significance. Review status: criteria provided, single submitter (1 of 4 stars). 2 submissions from 2 submitters: Uncertain significance (1). 1 of the submissions does not count toward it. Last evaluated 2024-10-24.

Conditions:
Zellweger spectrum disorders (ZS). Also called: Zellweger Spectrum Disorder; Zellweger Spectrum; Zellweger Spectrum Disorder (ZSD); Zellweger syndrome. Identifiers: Orphanet 912, MedGen C0043459, MONDO:0019609.

Allele frequency attached by ClinVar (database versions not stated): gnomAD 0.00001.
gnomAD v4.1: 3 of 1,613,910 alleles (0.00019%); highest among the groups gnomAD compares: Non-Finnish European, 0.00025%; no homozygotes.

Submissions (2):

Labcorp Genetics (formerly Invitae), Labcorp
Classification: Uncertain significance for Zellweger spectrum disorders. Last evaluated: 2024-10-24. Review status: criteria provided, single submitter. Criteria: Invitae Variant Classification Sherloc (09022015). Collection method: clinical testing. Allele origin: germline.
Comment: This sequence change replaces serine, which is neutral and polar, with phenylalanine, which is neutral and non-polar, at codon 585 of the PEX1 protein (p.Ser585Phe). This variant is not present in population databases (gnomAD no frequency). This variant has not been reported in the literature in individuals affected with PEX1-related conditions. ClinVar contains an entry for this variant (Variation ID: 990547). Invitae Evidence Modeling of protein sequence and biophysical properties (such as structural, functional, and spatial information, amino acid conservation, physicochemical variation, residue mobility, and thermodynamic stability) indicates that this missense variant is not expected to disrupt PEX1 protein function with a negative predictive value of 95%. In summary, the available evidence is currently insufficient to determine the role of this variant in disease. Therefore, it has been classified as a Variant of Uncertain Significance.

Natera, Inc.
Classification: Uncertain significance for Zellweger syndrome. Last evaluated: 2020-08-14. Review status: no assertion criteria provided. Collection method: clinical testing. Allele origin: germline. Not counted in ClinVar's aggregate classification.

NM_000466.3(PEX1):c.1754C>T (p.Ser585Phe)

Gene: PEX1 (peroxisomal biogenesis factor 1; minus strand). Cytogenetic location: 7q21.2.
Variant type: single nucleotide variant.
Coding change: c.1754C>T on transcript NM_000466.3 (MANE Select); coding-DNA position 1754, C replaced by T.
Protein change: p.Ser585Phe; replaces serine 585 with phenylalanine.
Molecular consequence: missense variant.
Genome position (GRCh38, 1-based): chr7:92,507,043, G>A on the plus strand (C>T on the coding strand, the complement: PEX1 is on the minus strand). VCF-style: chr7-92507043-G-A. GRCh37 (hg19) VCF-style: chr7-92136357-G-A.
Other names: c.1754C>T, p.Ser585Phe (NM_001282677.2); c.1130C>T, p.Ser377Phe (NM_001282678.2); short protein forms S377F, S585F.
Identifiers: ClinVar variation 990547 (VCV000990547.3), dbSNP rs1792225580, ClinGen allele CA368187381.
Genomic context (GRCh38, chr7:92,507,043, plus strand): 5'-TAACCACTTACCTTTCCTCCTGTGAGTAAAAGAGCTCCATTCCTAAGTCCTGCAACAAGA[G>A]ACATCAGCTGCCGAGACAAAGGGCGTCCCAGGAGGCTGTGAGTGATGTGCTCCAAGGAGG-3'
Protein context (NP_000457.1, residues 575-595): LGRPLSRQLM[Ser585Phe]LVAGLRNGAL